The following is an entry in ClinVar:

ClinVar aggregate classification (germline): Uncertain significance (1 of 4 stars; one submission).

Conditions:
Inosine triphosphatase deficiency. Also called: INOSINE TRIPHOSPHATE PYROPHOSPHOHYDROLASE DEFICIENCY. Identifiers: MedGen C0342800, MONDO:0013461, OMIM 613850.

gnomAD v4.1: 15 of 1,613,368 alleles (0.00093%); highest among the groups gnomAD compares: South Asian, 0.012%; no homozygotes.

Submission:

Labcorp Genetics (formerly Invitae), Labcorp
Classification: Uncertain significance for Inosine triphosphatase deficiency. Last evaluated: 2021-08-27. Review status: criteria provided, single submitter. Criteria: Invitae Variant Classification Sherloc (09022015). Collection method: clinical testing. Allele origin: germline.
Comment: This sequence change replaces valine with leucine at codon 129 of the ITPA protein (p.Val129Leu). The valine residue is moderately conserved and there is a small physicochemical difference between valine and leucine. This variant is present in population databases (rs200558616, ExAC 0.01%). This variant has not been reported in the literature in individuals affected with ITPA-related conditions. Algorithms developed to predict the effect of missense changes on protein structure and function are either unavailable or do not agree on the potential impact of this missense change (SIFT: "Tolerated"; PolyPhen-2: "Possibly Damaging"; Align-GVGD: "Class C0"). In summary, the available evidence is currently insufficient to determine the role of this variant in disease. Therefore, it has been classified as a Variant of Uncertain Significance.

NM_033453.4(ITPA):c.385G>C (p.Val129Leu)

Genes: ITPA (inosine triphosphatase; plus strand), LOC130065322 (ATAC-STARR-seq lymphoblastoid silent region 12615; plus strand). Cytogenetic location: 20p13.
Variant type: single nucleotide variant.
Coding change: c.385G>C on transcript NM_033453.4 (MANE Select); coding-DNA position 385, G replaced by C.
Protein change: p.Val129Leu; replaces valine 129 with leucine.
Molecular consequence: missense variant. On other transcripts: synonymous variant (4), non-coding transcript variant (2).
Genome position (GRCh38, 1-based): chr20:3,218,606, G>C. VCF-style: chr20-3218606-G-C. GRCh37 (hg19) VCF-style: chr20-3199252-G-C.
Other names: c.262G>C, p.Val88Leu (NM_001267623.2); c.48G>C, p.Pro16= (NM_001324236.2, NM_001324237.2, NM_001324238.2 and 1 more transcripts); c.385G>C, p.Val129Leu (NM_001324240.2); c.334G>C, p.Val112Leu (NM_181493.4); short protein forms V129L, V88L, V112L.
Identifiers: ClinVar variation 1514152 (VCV001514152.7), dbSNP rs200558616, ClinGen allele CA9741281.